The following is an entry in ClinVar:

ClinVar aggregate classification (germline): Uncertain significance (1 of 4 stars; one submission).

Conditions:
X-linked agammaglobulinemia with growth hormone deficiency (IGHD3). Also called: HYPOGAMMAGLOBULINEMIA AND ISOLATED GROWTH HORMONE DEFICIENCY, X-LINKED; IGHD III; AGAMMAGLOBULINEMIA AND ISOLATED GROWTH HORMONE DEFICIENCY, X-LINKED; FLEISHER SYNDROME; Isolated growth hormone deficiency type 3; Growth hormone deficiency with hypogammaglobulinemia. Identifiers: Orphanet 231692, Orphanet 631, MedGen C0472813, MONDO:0010615, OMIM 307200.

Allele frequency attached by ClinVar (database versions not stated): gnomAD exomes 0.00001; TOPMed 0.00001.
gnomAD v4.1: 4 of 1,211,745 alleles (0.00033%); highest among the groups gnomAD compares: Non-Finnish European, 0.00045%; no homozygotes.

Submission:

Labcorp Genetics (formerly Invitae), Labcorp
Classification: Uncertain significance for X-linked agammaglobulinemia with growth hormone deficiency. Last evaluated: 2025-07-24. Review status: criteria provided, single submitter. Criteria: Invitae Variant Classification Sherloc (09022015). Collection method: clinical testing. Allele origin: germline.
Comment: This sequence change replaces glutamic acid, which is acidic and polar, with lysine, which is basic and polar, at codon 194 of the BTK protein (p.Glu194Lys). This variant is present in population databases (no rsID available, gnomAD 0.001%). This variant has not been reported in the literature in individuals affected with BTK-related conditions. ClinVar contains an entry for this variant (Variation ID: 574300). Invitae Evidence Modeling of protein sequence and biophysical properties (such as structural, functional, and spatial information, amino acid conservation, physicochemical variation, residue mobility, and thermodynamic stability) indicates that this missense variant is not expected to disrupt BTK protein function with a negative predictive value of 95%. In summary, the available evidence is currently insufficient to determine the role of this variant in disease. Therefore, it has been classified as a Variant of Uncertain Significance.

NM_000061.3(BTK):c.580G>A (p.Glu194Lys)

Gene: BTK (Bruton tyrosine kinase; minus strand). Cytogenetic location: Xq22.1.
Variant type: single nucleotide variant.
Coding change: c.580G>A on transcript NM_000061.3 (MANE Select); coding-DNA position 580, G replaced by A.
Protein change: p.Glu194Lys; replaces glutamic acid 194 with lysine.
Molecular consequence: missense variant.
Genome position (GRCh38, 1-based): chrX:101,362,181, C>T on the plus strand (G>A on the coding strand, the complement: BTK is on the minus strand). VCF-style: chrX-101362181-C-T. GRCh37 (hg19) VCF-style: chrX-100617169-C-T.
Other names: c.682G>A, p.Glu228Lys (NM_001287344.2); c.580G>A, p.Glu194Lys (NM_001287345.2); short protein forms E194K, E228K.
Identifiers: ClinVar variation 574300 (VCV000574300.8), dbSNP rs1555978779, ClinGen allele CA413934001.